The following is an entry in ClinVar:

NM_000130.5(F5):c.149C>T (p.Thr50Ile)

Gene: F5 (coagulation factor V; minus strand). Cytogenetic location: 1q24.2.
Variant type: single nucleotide variant.
Coding change: c.149C>T on transcript NM_000130.5 (MANE Select); coding-DNA position 149, C replaced by T.
Protein change: p.Thr50Ile; replaces threonine 50 with isoleucine.
Molecular consequence: missense variant.
Genome position (GRCh38, 1-based): chr1:169,586,238, G>A on the plus strand (C>T on the coding strand, the complement: F5 is on the minus strand). VCF-style: chr1-169586238-G-A. GRCh37 (hg19) VCF-style: chr1-169555476-G-A.
Other names: short protein forms T50I.
Identifiers: ClinVar variation 2883737 (VCV002883737.1), dbSNP rs1404625718, ClinGen allele CA343145970.

ClinVar aggregate classification (germline): Uncertain significance (1 of 4 stars; one submission).

Conditions:
Congenital factor V deficiency. Also called: LABILE FACTOR DEFICIENCY; OWREN PARAHEMOPHILIA; PARAHEMOPHILIA; Hereditary factor V deficiency disease. Identifiers: Orphanet 326, MedGen C0015499, MONDO:0009210, OMIM 227400.

Allele frequency attached by ClinVar (database versions not stated): gnomAD 0.00001; gnomAD exomes 0.00001; TOPMed 0.00001.

Submission:

Labcorp Genetics (formerly Invitae), Labcorp
Classification: Uncertain significance for Congenital factor V deficiency. Last evaluated: 2023-05-22. Review status: criteria provided, single submitter. Criteria: Invitae Variant Classification Sherloc (09022015). Collection method: clinical testing. Allele origin: germline.
Comment: In summary, the available evidence is currently insufficient to determine the role of this variant in disease. Therefore, it has been classified as a Variant of Uncertain Significance. Advanced modeling of protein sequence and biophysical properties (such as structural, functional, and spatial information, amino acid conservation, physicochemical variation, residue mobility, and thermodynamic stability) performed at Invitae indicates that this missense variant is not expected to disrupt F5 protein function. This variant has not been reported in the literature in individuals affected with F5-related conditions. This variant is not present in population databases (gnomAD no frequency). This sequence change replaces threonine, which is neutral and polar, with isoleucine, which is neutral and non-polar, at codon 50 of the F5 protein (p.Thr50Ile).